The following is an entry in ClinVar:

ClinVar aggregate classification (germline): Uncertain significance (1 of 4 stars; one submission).

Conditions:
Combined immunodeficiency due to OX40 deficiency. Also called: OX40 DEFICIENCY; Immunodeficiency 16. Identifiers: Orphanet 431149, MedGen C3810053, MONDO:0014268, OMIM 615593.

Submission:

Labcorp Genetics (formerly Invitae), Labcorp
Classification: Uncertain significance for Combined immunodeficiency due to OX40 deficiency. Last evaluated: 2025-04-03. Review status: criteria provided, single submitter. Criteria: Invitae Variant Classification Sherloc (09022015). Collection method: clinical testing. Allele origin: germline.
Comment: This sequence change replaces asparagine, which is neutral and polar, with serine, which is neutral and polar, at codon 73 of the TNFRSF4 protein (p.Asn73Ser). The frequency data for this variant in the population databases is considered unreliable, as metrics indicate poor data quality at this position in the gnomAD database. This variant has not been reported in the literature in individuals affected with TNFRSF4-related conditions. Invitae Evidence Modeling of protein sequence and biophysical properties (such as structural, functional, and spatial information, amino acid conservation, physicochemical variation, residue mobility, and thermodynamic stability) indicates that this missense variant is not expected to disrupt TNFRSF4 protein function with a negative predictive value of 80%. In summary, the available evidence is currently insufficient to determine the role of this variant in disease. Therefore, it has been classified as a Variant of Uncertain Significance.

NM_003327.4(TNFRSF4):c.218A>G (p.Asn73Ser)

Gene: TNFRSF4 (TNF receptor superfamily member 4; minus strand). Cytogenetic location: 1p36.33.
Variant type: single nucleotide variant.
Coding change: c.218A>G on transcript NM_003327.4 (MANE Select); coding-DNA position 218, A replaced by G.
Protein change: p.Asn73Ser; replaces asparagine 73 with serine.
Molecular consequence: missense variant.
Genome position (GRCh38, 1-based): chr1:1,213,713, T>C on the plus strand (A>G on the coding strand, the complement: TNFRSF4 is on the minus strand). VCF-style: chr1-1213713-T-C. GRCh37 (hg19) VCF-style: chr1-1149093-T-C.
Other names: c.218A>G, p.Asn73Ser (NM_001410709.1); short protein forms N73S.
Identifiers: ClinVar variation 4808093 (VCV004808093.1).